The following is an entry in ClinVar:

ClinVar aggregate classification (germline): Conflicting classifications of pathogenicity. Review status: criteria provided, conflicting classifications (1 of 4 stars). 2 submissions from 2 submitters: Pathogenic (1); Uncertain significance (1). Last evaluated 2025-12-01.

Conditions:
Cataract 23 (CTRCT23). Also called: Cataract 23, multiple types; CATARACT 23, LAMELLAR. Identifiers: Orphanet 91492, MedGen C3808012, MONDO:0012489, OMIM 610425.
CRYBA4-related disorder. Also called: CRYBA4-related condition.

Submissions (2):

Labcorp Genetics (formerly Invitae), Labcorp
Classification: Pathogenic for Cataract 23. Last evaluated: 2025-12-01. Review status: criteria provided, single submitter. Criteria: Invitae Variant Classification Sherloc (09022015). Collection method: clinical testing. Allele origin: germline.
Comment: This sequence change creates a premature translational stop signal (p.Leu50*) in the CRYBA4 gene. It is expected to result in an absent or disrupted protein product. However, the current clinical and genetic evidence is not sufficient to establish whether loss-of-function variants in CRYBA4 cause disease. This variant is not present in population databases (gnomAD no frequency). This premature translational stop signal has been observed in individual(s) with congenital cataracts (internal data). In at least one individual the variant was observed to be de novo. ClinVar contains an entry for this variant (Variation ID: 1477377). Algorithms developed to predict the effect of sequence changes on RNA splicing suggest that this variant may disrupt the consensus splice site. For these reasons, this variant has been classified as Pathogenic.

PreventionGenetics, part of Exact Sciences
Classification: Uncertain significance for CRYBA4-related condition. Last evaluated: 2023-01-17. Review status: criteria provided, single submitter. Criteria: ACMG Guidelines, 2015. Collection method: clinical testing. Allele origin: germline.
Comment: The CRYBA4 c.148delC variant is predicted to result in premature protein termination (p.Leu50*). To our knowledge, this variant has not been reported in the literature or in a large population database, indicating this variant is rare. Loss of function has not been a well documented mechanism of CRYBA4-related disorder. At this time, the clinical significance of this variant is uncertain due to the absence of conclusive functional and genetic evidence.

NM_001886.3(CRYBA4):c.148del (p.Val49_Leu50insTer)

Gene: CRYBA4 (crystallin beta A4; plus strand). Cytogenetic location: 22q12.1.
Variant type: Deletion.
Coding change: c.148del on transcript NM_001886.3 (MANE Select); coding-DNA position 148, one base deleted (C; older notation c.148delC).
Protein change: p.Val49_Leu50insTer.
Molecular consequence: nonsense.
Genome position (GRCh38, 1-based): chr22:26,623,342, C deleted. VCF-style (leftmost placement, unchanged base first): chr22-26623341-GC-G. GRCh37 (hg19) VCF-style: chr22-27019305-GC-G.
Other names: c.148delC (NM_001886.2).
Identifiers: ClinVar variation 1477377 (VCV001477377.7), dbSNP rs2145979078, ClinGen allele CA2573157920.